The following is an entry in ClinVar:

ClinVar aggregate classification (germline): Uncertain significance (1 of 4 stars; one submission).

Conditions:
Neurofibromatosis, type 1 (NF1). Also called: VON RECKLINGHAUSEN DISEASE; NEUROFIBROMATOSIS, TYPE I, SOMATIC; Peripheral type neurofibromatosis; Neurofibromatosis, type I. Identifiers: Orphanet 636, MedGen C0027831, MONDO:0018975, OMIM 162200. Disease mechanism: loss of function.

Submission:

Labcorp Genetics (formerly Invitae), Labcorp
Classification: Uncertain significance for Neurofibromatosis, type 1. Last evaluated: 2022-03-29. Review status: criteria provided, single submitter. Criteria: Invitae Variant Classification Sherloc (09022015). Collection method: clinical testing. Allele origin: germline.
Comment: ClinVar contains an entry for this variant (Variation ID: 661116). This variant has not been reported in the literature in individuals affected with NF1-related conditions. This variant is not present in population databases (gnomAD no frequency). This sequence change replaces alanine, which is neutral and non-polar, with glycine, which is neutral and non-polar, at codon 1155 of the NF1 protein (p.Ala1155Gly). In summary, the available evidence is currently insufficient to determine the role of this variant in disease. Therefore, it has been classified as a Variant of Uncertain Significance. Advanced modeling of protein sequence and biophysical properties (such as structural, functional, and spatial information, amino acid conservation, physicochemical variation, residue mobility, and thermodynamic stability) performed at Invitae indicates that this missense variant is expected to disrupt NF1 protein function.

NM_001042492.3(NF1):c.3464C>G (p.Ala1155Gly)

Gene: NF1 (neurofibromin 1; plus strand). Cytogenetic location: 17q11.2.
Variant type: single nucleotide variant.
Coding change: c.3464C>G on transcript NM_001042492.3 (MANE Select); coding-DNA position 3464, C replaced by G.
Protein change: p.Ala1155Gly; replaces alanine 1155 with glycine.
Molecular consequence: missense variant.
Genome position (GRCh38, 1-based): chr17:31,232,849, C>G. VCF-style: chr17-31232849-C-G. GRCh37 (hg19) VCF-style: chr17-29559867-C-G.
Other names: c.3464C>G, p.Ala1155Gly (NM_000267.4); short protein forms A1155G.
Identifiers: ClinVar variation 661116 (VCV000661116.5), dbSNP rs1597719654, ClinGen allele CA398989372.